The following is an entry in ClinVar:

NM_003280.3(TNNC1):c.195C>T (p.Asp65=)

Gene: TNNC1 (troponin C1, slow skeletal and cardiac type; minus strand). Cytogenetic location: 3p21.1.
Variant type: single nucleotide variant.
Coding change: c.195C>T on transcript NM_003280.3 (MANE Select); coding-DNA position 195, C replaced by T.
Protein change: p.Asp65=; no amino-acid change (aspartic acid 65 retained).
Molecular consequence: synonymous variant.
Genome position (GRCh38, 1-based): chr3:52,452,113, G>A on the plus strand (C>T on the coding strand, the complement: TNNC1 is on the minus strand). VCF-style: chr3-52452113-G-A. GRCh37 (hg19) VCF-style: chr3-52486129-G-A.
Other names: c.195C>T (LRG_378t1).
Identifiers: ClinVar variation 537986 (VCV000537986.14), dbSNP rs370426309, ClinGen allele CA2438575.

ClinVar aggregate classification (germline): Conflicting classifications of pathogenicity. Review status: criteria provided, conflicting classifications (1 of 4 stars). 6 submissions from 6 submitters: Uncertain significance (1); Likely benign (3). 2 of the submissions do not count toward it. Last evaluated 2025-11-12.

Conditions:
Cardiovascular phenotype. Identifiers: MedGen CN230736.
TNNC1-related disorder. Also called: TNNC1-related condition.
Dilated cardiomyopathy 1Z (CMD1Z). Identifiers: Orphanet 154, MedGen C2678475, MONDO:0012745, OMIM 611879.
Hypertrophic cardiomyopathy 13. Also called: TNNC1-Related Familial Hypertrophic Cardiomyopathy. Identifiers: MedGen C2750472, MONDO:0013195, OMIM 613243.

Allele frequency attached by ClinVar (database versions not stated): ExAC 0.00002; gnomAD exomes 0.00002 and 0.00003; gnomAD 0.00006 and 0.00007; TOPMed 0.00006; ESP Exome Variant Server 0.00008.
gnomAD v4.1: 58 of 1,613,714 alleles (0.0036%); highest among the groups gnomAD compares: African/African-American, 0.0067%; no homozygotes.

Submissions (6):

PreventionGenetics, part of Exact Sciences
Classification: Likely benign for TNNC1-related condition. Last evaluated: 2025-11-12. Review status: criteria provided, single submitter. Criteria: ACMG Guidelines, 2015. Collection method: clinical testing. Allele origin: germline.
Comment: This variant is classified as likely benign based on ACMG/AMP sequence variant interpretation guidelines (Richards et al. 2015 PMID: 25741868, with internal and published modifications).

Labcorp Genetics (formerly Invitae), Labcorp
Classification: Likely benign for Hypertrophic cardiomyopathy 13; Dilated cardiomyopathy 1Z. Last evaluated: 2025-10-17. Review status: criteria provided, single submitter. Criteria: Invitae Variant Classification Sherloc (09022015). Collection method: clinical testing. Allele origin: germline.

Ambry Genetics
Classification: Uncertain significance for Cardiovascular phenotype. Last evaluated: 2023-01-04. Review status: criteria provided, single submitter. Criteria: Ambry Variant Classification Scheme 2023. Collection method: clinical testing. Allele origin: germline.
Comment: The c.195C>T variant (also known as p.D65D), located in coding exon 3 of the TNNC1 gene, results from a C to T substitution at nucleotide position 195. This nucleotide substitution does not change the aspartic acid at codon 65. This nucleotide position is poorly conserved in available vertebrate species. In silico splice site analysis for this alteration is inconclusive. Since supporting evidence is limited at this time, the clinical significance of this alteration remains unclear.

Blueprint Genetics
Classification: Likely benign. Last evaluated: 2022-05-13. Review status: criteria provided, single submitter. Criteria: ACMG Guidelines, 2015. Collection method: clinical testing. Allele origin: germline.

Clinical Genetics, Academic Medical Center
Classification: Likely benign. Review status: no assertion criteria provided. Collection method: clinical testing. Allele origin: germline. Affected: yes. Study: VKGL Data-share Consensus. Not counted in ClinVar's aggregate classification.

Diagnostic Laboratory, Department of Genetics, University Medical Center Groningen
Classification: Likely benign. Review status: no assertion criteria provided. Collection method: clinical testing. Allele origin: germline. Affected: yes. Study: VKGL Data-share Consensus. Not counted in ClinVar's aggregate classification.